The following is an entry in ClinVar:

NM_022454.4(SOX17):c.565C>T (p.Pro189Ser)

Gene: SOX17 (SRY-box transcription factor 17; plus strand). Cytogenetic location: 8q11.23.
Variant type: single nucleotide variant.
Coding change: c.565C>T on transcript NM_022454.4 (MANE Select); coding-DNA position 565, C replaced by T.
Protein change: p.Pro189Ser; replaces proline 189 with serine.
Molecular consequence: missense variant.
Genome position (GRCh38, 1-based): chr8:54,459,315, C>T. VCF-style: chr8-54459315-C-T. GRCh37 (hg19) VCF-style: chr8-55371875-C-T.
Other names: c.565C>T (NM_022454.3); short protein forms P189S.
Identifiers: ClinVar variation 1932107 (VCV001932107.6), dbSNP rs769172253, ClinGen allele CA4750929.
Genomic context (GRCh38, chr8:54,459,315, plus strand): 5'-CCCGAGGGCGGCCGCGTGGCCATGGACGGCCTGGGCCTCCAGTTCCCCGAGCAGGGCTTC[C>T]CCGCCGGCCCGCCGCTGCTGCCTCCGCACATGGGCGGCCACTACCGCGACTGCCAGAGTC-3'
Protein context (NP_071899.1, residues 179-199): LGLQFPEQGF[Pro189Ser]AGPPLLPPHM

ClinVar aggregate classification (germline): Conflicting classifications of pathogenicity. Review status: criteria provided, conflicting classifications (1 of 4 stars). 2 submissions from 2 submitters: Uncertain significance (1); Likely benign (1). Last evaluated 2025-04-16.

Conditions:
SOX17-related disorder. Also called: SOX17-related condition.

Allele frequency attached by ClinVar (database versions not stated): gnomAD 0.00001; TOPMed 0.00001; gnomAD exomes 0.00003; ExAC 0.00060.
gnomAD v4.1: 50 of 1,524,624 alleles (0.0033%); highest among the groups gnomAD compares: South Asian, 0.044%; no homozygotes.

Submissions (2):

PreventionGenetics, part of Exact Sciences
Classification: Likely benign for SOX17-related condition. Last evaluated: 2025-04-16. Review status: criteria provided, single submitter. Criteria: ACMG Guidelines, 2015. Collection method: clinical testing. Allele origin: germline.
Comment: This variant is classified as likely benign based on ACMG/AMP sequence variant interpretation guidelines (Richards et al. 2015 PMID: 25741868, with internal and published modifications).

Labcorp Genetics (formerly Invitae), Labcorp
Classification: Uncertain significance. Last evaluated: 2022-08-05. Review status: criteria provided, single submitter. Criteria: Invitae Variant Classification Sherloc (09022015). Collection method: clinical testing. Allele origin: germline.
Comment: This sequence change replaces proline, which is neutral and non-polar, with serine, which is neutral and polar, at codon 189 of the SOX17 protein (p.Pro189Ser). In summary, the available evidence is currently insufficient to determine the role of this variant in disease. Therefore, it has been classified as a Variant of Uncertain Significance. Algorithms developed to predict the effect of missense changes on protein structure and function are either unavailable or do not agree on the potential impact of this missense change (SIFT: "Tolerated"; PolyPhen-2: "Probably Damaging"; Align-GVGD: "Class C0"). This variant has not been reported in the literature in individuals affected with SOX17-related conditions. This variant is present in population databases (rs769172253, gnomAD 0.07%), and has an allele count higher than expected for a pathogenic variant.